The following is an entry in ClinVar:

ClinVar aggregate classification (germline): Uncertain significance (1 of 4 stars; one submission).

Conditions:
Inborn genetic diseases. Identifiers: MedGen C0950123, MeSH D030342.

Submission:

Ambry Genetics
Classification: Uncertain significance for Inborn genetic diseases. Last evaluated: 2026-07-29. Review status: criteria provided, single submitter. Criteria: Ambry Variant Classification Scheme 2023. Collection method: clinical testing. Allele origin: germline.
Comment: The p.S290F variant (also known as c.869C>T), located in coding exon 7 of the RUNX1 gene, results from a C to T substitution at nucleotide position 869. The serine at codon 290 is replaced by phenylalanine, an amino acid with highly dissimilar properties. This amino acid position is not well conserved in available vertebrate species. In addition, this alteration is predicted to be tolerated by in silico analysis. Based on the available evidence, the clinical significance of this variant remains unclear.

NM_001754.5(RUNX1):c.869C>T (p.Ser290Phe)

Gene: RUNX1 (RUNX family transcription factor 1; minus strand). Cytogenetic location: 21q22.12.
Variant type: single nucleotide variant.
Coding change: c.869C>T on transcript NM_001754.5 (MANE Select); coding-DNA position 869, C replaced by T.
Protein change: p.Ser290Phe; replaces serine 290 with phenylalanine.
Molecular consequence: missense variant.
Genome position (GRCh38, 1-based): chr21:34,799,399, G>A on the plus strand (C>T on the coding strand, the complement: RUNX1 is on the minus strand). VCF-style: chr21-34799399-G-A. GRCh37 (hg19) VCF-style: chr21-36171696-G-A.
Other names: c.788C>T, p.Ser263Phe (NM_001001890.3); short protein forms S263F, S290F.
Identifiers: ClinVar variation 5028593 (VCV005028593.1).